The following is an entry in ClinVar:

NM_007098.4(CLTCL1):c.5C>T (p.Ala2Val)

Gene: CLTCL1 (clathrin heavy chain like 1; minus strand). Cytogenetic location: 22q11.21.
Variant type: single nucleotide variant.
Coding change: c.5C>T on transcript NM_007098.4 (MANE Select); coding-DNA position 5, C replaced by T.
Protein change: p.Ala2Val; replaces alanine 2 with valine.
Molecular consequence: missense variant.
Genome position (GRCh38, 1-based): chr22:19,291,637, G>A on the plus strand (C>T on the coding strand, the complement: CLTCL1 is on the minus strand). VCF-style: chr22-19291637-G-A. GRCh37 (hg19) VCF-style: chr22-19279160-G-A.
Other names: p.Ala2Val; c.5C>T, p.Ala2Val (NM_001835.4); short protein forms A2V.
Identifiers: ClinVar variation 2352643 (VCV002352643.5), dbSNP rs371789769, ClinGen allele CA10099127.

ClinVar aggregate classification (germline): Conflicting classifications of pathogenicity. Review status: criteria provided, conflicting classifications (1 of 4 stars). 3 submissions from 3 submitters: Uncertain significance (1); Likely benign (1). 1 of the submissions does not count toward it. Last evaluated 2024-09-17.

Conditions:
CLTCL1-related disorder. Also called: CLTCL1-related condition.

Allele frequency attached by ClinVar (database versions not stated): ESP Exome Variant Server 0.00044; gnomAD exomes 0.00197; ExAC 0.00053; TOPMed 0.00068; gnomAD 0.00083.
gnomAD v4.1: 2,525 of 1,399,770 alleles (0.18%); highest among the groups gnomAD compares: Non-Finnish European, 0.23%; 6 homozygotes.

Submissions (3):

Mayo Clinic Laboratories, Mayo Clinic
Classification: Likely benign. Last evaluated: 2024-09-17. Review status: criteria provided, single submitter. Criteria: ACMG Guidelines, 2015. Collection method: clinical testing. Allele origin: germline. Observed: 4 variant alleles.
Comment: BS2, BP4

Ambry Genetics
Classification: Uncertain significance. Last evaluated: 2021-09-01. Review status: criteria provided, single submitter. Criteria: Ambry Variant Classification Scheme 2023. Collection method: clinical testing. Allele origin: germline.

PreventionGenetics, part of Exact Sciences
Classification: Likely benign for CLTCL1-related condition. Last evaluated: 2023-04-04. Review status: no assertion criteria provided. Collection method: clinical testing. Allele origin: germline. Not counted in ClinVar's aggregate classification.
Comment: This variant is classified as likely benign based on ACMG/AMP sequence variant interpretation guidelines (Richards et al. 2015 PMID: 25741868, with internal and published modifications).